The following is an entry in ClinVar:

NM_000052.7(ATP7A):c.4102G>A (p.Val1368Ile)

Gene: ATP7A (ATPase copper transporting alpha; plus strand). Cytogenetic location: Xq21.1.
Variant type: single nucleotide variant.
Coding change: c.4102G>A on transcript NM_000052.7 (MANE Select); coding-DNA position 4102, G replaced by A.
Protein change: p.Val1368Ile; replaces valine 1368 with isoleucine.
Molecular consequence: missense variant. On other transcripts: non-coding transcript variant (1).
Genome position (GRCh38, 1-based): chrX:78,043,413, G>A. VCF-style: chrX-78043413-G-A. GRCh37 (hg19) VCF-style: chrX-77298911-G-A.
Other names: c.3868G>A, p.Val1290Ile (NM_001282224.2); short protein forms V1368I, V1290I.
Identifiers: ClinVar variation 245812 (VCV000245812.8), dbSNP rs782483019, ClinGen allele CA10584650.

ClinVar aggregate classification (germline): Uncertain significance. Review status: criteria provided, multiple submitters, no conflicts (2 of 4 stars). 3 submissions from 3 submitters: Uncertain significance (2). 1 of the submissions does not count toward it. Last evaluated 2024-09-06.

Conditions:
X-linked distal spinal muscular atrophy type 3. Also called: ATP7A-Related Distal Motor Neuropathy; SPINAL MUSCULAR ATROPHY, DISTAL, X-LINKED RECESSIVE; NEURONOPATHY, DISTAL HEREDITARY MOTOR, X-LINKED; NEUROPATHY, DISTAL HEREDITARY MOTOR, X-LINKED. Identifiers: Orphanet 139557, MedGen C1845359, MONDO:0010338, OMIM 300489.
Menkes kinky-hair syndrome (MNK). Also called: Copper transport disease; Classic Menkes Disease; Menkes Disease. Identifiers: Orphanet 565, MedGen C0022716, MONDO:0010651, OMIM 309400.
Cutis laxa, X-linked (OHS). Also called: EDS IX; Occipital horn syndrome. Identifiers: Orphanet 198, MedGen C0268353, MONDO:0010572, OMIM 304150.

gnomAD v4.1: 1 of 1,206,433 alleles (0.000083%); highest among the groups gnomAD compares: Middle Eastern, 0.023%; no homozygotes.

Submissions (3):

Labcorp Genetics (formerly Invitae), Labcorp
Classification: Uncertain significance for X-linked distal spinal muscular atrophy type 3; Cutis laxa, X-linked; Menkes kinky-hair syndrome. Last evaluated: 2024-09-06. Review status: criteria provided, single submitter. Criteria: Invitae Variant Classification Sherloc (09022015). Collection method: clinical testing. Allele origin: germline.
Comment: This sequence change replaces valine, which is neutral and non-polar, with isoleucine, which is neutral and non-polar, at codon 1368 of the ATP7A protein (p.Val1368Ile). This variant is not present in population databases (gnomAD no frequency). This variant has not been reported in the literature in individuals affected with ATP7A-related conditions. ClinVar contains an entry for this variant (Variation ID: 245812). Invitae Evidence Modeling of protein sequence and biophysical properties (such as structural, functional, and spatial information, amino acid conservation, physicochemical variation, residue mobility, and thermodynamic stability) indicates that this missense variant is not expected to disrupt ATP7A protein function with a negative predictive value of 95%. In summary, the available evidence is currently insufficient to determine the role of this variant in disease. Therefore, it has been classified as a Variant of Uncertain Significance.

GeneDx
Classification: Uncertain significance. Last evaluated: 2015-07-18. Review status: criteria provided, single submitter. Criteria: GeneDx Variant Classification (06012015). Collection method: clinical testing. Allele origin: germline. Affected: yes.
Comment: The V1368I variant in the ATP7A gene has not been published as pathogenic, nor has it been reported as a benign polymorphism to our knowledge. The V1368I variant was not observed in approximately 6,500 individuals of European and African American ancestry in the NHLBI Exome Sequencing Project, indicating it is not a common benign variant in these populations. The V1368I variant is a conservative amino acid substitution that occurs at a position where amino acids with similar properties to Valine are tolerated across species. In silico analysis is inconsistent in its predictions as to whether or not the variant is damaging to the protein structure/function. Missense variants in nearby residues (A1362D, A1362V, G1369R, A1373P, A1373V) have been reported in the Human Gene Mutation Database in association with Menkes syndrome (Stenson et al., 2014), supporting the functional importance of this region of the protein. We interpret V1368I as a variant of unknown significance

Natera, Inc.
Classification: Uncertain significance for Distal spinal muscular atrophy, X-linked 3; Cutis laxa, X-linked; Menkes kinky-hair syndrome. Last evaluated: 2020-09-16. Review status: no assertion criteria provided. Collection method: clinical testing. Allele origin: germline. Not counted in ClinVar's aggregate classification.